The following is an entry in ClinVar:

NM_001366385.1(CARD14):c.2858C>T (p.Ala953Val)

Genes: CARD14 (caspase recruitment domain family member 14; plus strand), SGSH (N-sulfoglucosamine sulfohydrolase; minus strand). Cytogenetic location: 17q25.3.
Variant type: single nucleotide variant.
Coding change: c.2858C>T on transcript NM_001366385.1 (MANE Select); coding-DNA position 2858, C replaced by T.
Protein change: p.Ala953Val; replaces alanine 953 with valine.
Molecular consequence: missense variant. On other transcripts: non-coding transcript variant (1).
Genome position (GRCh38, 1-based): chr17:80,208,188, C>T. VCF-style: chr17-80208188-C-T. GRCh37 (hg19) VCF-style: chr17-78181987-C-T.
Other names: c.2858C>T, p.Ala953Val (NM_024110.4); short protein forms A953V.
Identifiers: ClinVar variation 646768 (VCV000646768.12), dbSNP rs370106410, ClinGen allele CA8817496.
Genomic context (GRCh38, chr17:80,208,188, plus strand): 5'-GCCTGTGCAGGAAGGGCCTACAGCGGTTGGGCACCTCAGAGGAGCAGCTCCTGGAGGCTG[C>T]GAGGCAGGAGGAGGGAGACCTGGACCGGGCGCCCTGTCTATACAGCAGCCTGGCTCCTGA-3'
Protein context (NP_001353314.1, residues 943-963): GTSEEQLLEA[Ala953Val]RQEEGDLDRA

ClinVar aggregate classification (germline): Uncertain significance (1 of 4 stars; one submission).

Conditions:
Pityriasis rubra pilaris (PRP). Also called: Pityriasis rubra pilaris--familial type. Identifiers: Orphanet 2897, MedGen C0032027, MONDO:0100017, OMIM 173200, MONDO:0008251.
Psoriasis 2. Identifiers: MedGen C1864497, MONDO:0011269, OMIM 602723.

Allele frequency attached by ClinVar (database versions not stated): gnomAD 0.00001; TOPMed 0.00001; gnomAD exomes 0.00003; ExAC 0.00005; ESP Exome Variant Server 0.00008.
gnomAD v4.1: 12 of 1,551,296 alleles (0.00077%); highest among the groups gnomAD compares: East Asian, 0.0048%; no homozygotes.

Submission:

Labcorp Genetics (formerly Invitae), Labcorp
Classification: Uncertain significance for Pityriasis rubra pilaris; Psoriasis 2. Last evaluated: 2025-08-15. Review status: criteria provided, single submitter. Criteria: Invitae Variant Classification Sherloc (09022015). Collection method: clinical testing. Allele origin: germline.
Comment: This sequence change replaces alanine, which is neutral and non-polar, with valine, which is neutral and non-polar, at codon 953 of the CARD14 protein (p.Ala953Val). This variant is present in population databases (rs370106410, gnomAD 0.01%). This variant has not been reported in the literature in individuals affected with CARD14-related conditions. ClinVar contains an entry for this variant (Variation ID: 646768). Invitae Evidence Modeling of protein sequence and biophysical properties (such as structural, functional, and spatial information, amino acid conservation, physicochemical variation, residue mobility, and thermodynamic stability) indicates that this missense variant is not expected to disrupt CARD14 protein function with a negative predictive value of 95%. In summary, the available evidence is currently insufficient to determine the role of this variant in disease. Therefore, it has been classified as a Variant of Uncertain Significance.